The following is an entry in ClinVar:

ClinVar aggregate classification (germline): Likely pathogenic. Review status: criteria provided, multiple submitters, no conflicts (2 of 4 stars). 5 submissions from 5 submitters: Likely pathogenic (4). 1 of the submissions does not count toward it. Last evaluated 2025-09-23.

Conditions:
PRKCG-related disorder. Also called: PRKCG-related condition.
Spinocerebellar ataxia type 14 (SCA14). Identifiers: Orphanet 98763, MedGen C1854369, MONDO:0011540, OMIM 605361.

Submissions (5):

GeneDx
Classification: Likely pathogenic. Last evaluated: 2025-09-23. Review status: criteria provided, single submitter. Criteria: GeneDx Variant Classification Process June 2021. Collection method: clinical testing. Allele origin: germline. Affected: yes.
Comment: Reported previously as a paternally inherited variant in a patient with dystonia, nonprogressive cerebellar atrophy on brain MRI, dysarthria, slowly progressive gait ataxia, and nystagmus; the father was similarly affected (PMID: 17149711); Reported previously in a patient with SCA14 who also had a separate genetic variant that was thought to be the cause for macular dystrophy (PMID: 38419591); Published functional studies demonstrate a damaging effect and showed markedly reduced or no PMA-induced membrane translocation (PMID: 29053796); In silico analysis supports that this missense variant has a deleterious effect on protein structure/function; Not observed at significant frequency in large population cohorts (gnomAD); This variant is associated with the following publications: (PMID: 17149711, 29053796, 38419591)

Variantyx, Inc.
Classification: Likely pathogenic for Spinocerebellar ataxia type 14. Last evaluated: 2025-03-04. Review status: criteria provided, single submitter. Criteria: Variantyx Assertion Criteria 2022. Collection method: clinical testing. Allele origin: germline. Inheritance: Autosomal dominant inheritance. Affected: yes.
Comment: This is a nonsynonymous variant in the PRKCG gene (OMIM: 176980). Pathogenic variants in this gene have been associated with autosomal dominant spinocerebellar ataxia 14. This variant has been reported in at least one affected individual (PMID: 17149711) (PS4). Functional studies have shown that this variant alters PRKCG protein function (PMID: 29053796) (PS3_Moderate), and multiple computational algorithms predict a deleterious effect for this variant (REVEL score: 0.977) (PP3). Moreover, an alternate amino acid change at this position (p.Gly63Arg) has been previously reported in similarly affected individuals, which suggests that this residue is biologically important (PMID: 29053796) (PM5). This variant is absent from control populations (PM2). Based on the current evidence, this variant is classified as likely pathogenic for autosomal dominant spinocerebellar ataxia 14.

Blueprint Genetics
Classification: Likely pathogenic for PRKCG-related disorders. Last evaluated: 2022-01-12. Review status: criteria provided, single submitter. Criteria: ACMG Guidelines, 2015. Collection method: clinical testing. Allele origin: germline. Affected: yes. Observed: 3 variant alleles.

Genetic Services Laboratory, University of Chicago
Classification: Likely pathogenic. Last evaluated: 2019-12-09. Review status: criteria provided, single submitter. Criteria: ACMG Guidelines, 2015. Collection method: clinical testing. Allele origin: germline. Affected: yes.
Comment: DNA sequence analysis of the PRKCG gene demonstrated a sequence change, c.188G>T, in exon 2 that results in an amino acid change, p.Gly63Val. The p.Gly63Val change affects a highly conserved amino acid residue located in the C1A subdomain of the PRKCG protein that is known to be functional. A different pathogenic sequence change affecting the same amino acid residue (p.Gly63Arg) has been described in multiple individuals from a family with suspected autosomal dominant cerebellar ataxia (Nibbeling et al., 2017). Transiently transfected HEK293T cells showed that both the p.Gly63Arg and Gly63Val sequence changes lead to loss of phorbol-ester induced C1A subdomain plasma-membrane translocation indicating an impact on activation of PKC gamma domain (Nibbeling et al., 2017). This sequence change has not been described in the population databases (ExAC and gnomAD). The p.Gly63Val substitution appears to be deleterious using several in-silico pathogenicity prediction tools (SIFT, PolyPhen2, REVEL).

GeneReviews
Classification: Pathogenic for Spinocerebellar Ataxia Type14. Last evaluated: 2013-04-18. Review status: no assertion criteria provided. Collection method: curation. Allele origin: unknown. Not counted in ClinVar's aggregate classification.
ClinVar note: Converted during submission from pathologic to Pathogenic.

Literature cited by the submitters: PubMed 29053796 (cited by Variantyx, Inc.); PubMed 17149711 (cited by Variantyx, Inc.).

NM_002739.5(PRKCG):c.188G>T (p.Gly63Val)

Gene: PRKCG (protein kinase C gamma; plus strand). Cytogenetic location: 19q13.42.
Variant type: single nucleotide variant.
Coding change: c.188G>T on transcript NM_002739.5 (MANE Select); coding-DNA position 188, G replaced by T.
Protein change: p.Gly63Val; replaces glycine 63 with valine.
Molecular consequence: missense variant.
Genome position (GRCh38, 1-based): chr19:53,883,180, G>T. VCF-style: chr19-53883180-G-T. GRCh37 (hg19) VCF-style: chr19-54386434-G-T.
Other names: c.188g>t; c.188G>T, p.Gly63Val (NM_001316329.2); short protein forms G63V.
Identifiers: ClinVar variation 42140 (VCV000042140.11), dbSNP rs386134159, ClinGen allele CA344597.